The following is an entry in ClinVar:

NM_032242.4(PLXNA1):c.4777A>C (p.Thr1593Pro)

Gene: PLXNA1 (plexin A1; plus strand). Cytogenetic location: 3q21.3.
Variant type: single nucleotide variant.
Coding change: c.4777A>C on transcript NM_032242.4 (MANE Select); coding-DNA position 4777, A replaced by C.
Protein change: p.Thr1593Pro; replaces threonine 1593 with proline.
Molecular consequence: missense variant.
Genome position (GRCh38, 1-based): chr3:127,029,443, A>C. VCF-style: chr3-127029443-A-C. GRCh37 (hg19) VCF-style: chr3-126748286-A-C.
Other names: short protein forms T1593P.
Identifiers: ClinVar variation 3345463 (VCV003345463.1).

ClinVar aggregate classification (germline): Uncertain significance (0 of 4 stars; one submission).

Conditions:
PLXNA1-related disorder. Also called: PLXNA1-related condition.

gnomAD v4.1: 1 of 1,613,592 alleles (0.000062%); highest among the groups gnomAD compares: Non-Finnish European, 0.000085%; no homozygotes.

Submission:

PreventionGenetics, part of Exact Sciences
Classification: Uncertain significance for PLXNA1-related condition. Last evaluated: 2024-04-13. Review status: no assertion criteria provided. Collection method: clinical testing. Allele origin: germline.
Comment: The PLXNA1 c.4777A>C variant is predicted to result in the amino acid substitution p.Thr1593Pro. To our knowledge, this variant has not been reported in the literature or in a large population database, indicating this variant is rare. At this time, the clinical significance of this variant is uncertain due to the absence of conclusive functional and genetic evidence.